The following is an entry in ClinVar:

NM_152594.3(SPRED1):c.52C>T (p.Arg18Ter)

Gene: SPRED1 (sprouty related EVH1 domain containing 1; plus strand). Cytogenetic location: 15q14.
Variant type: single nucleotide variant.
Coding change: c.52C>T on transcript NM_152594.3 (MANE Select); coding-DNA position 52, C replaced by T.
Protein change: p.Arg18Ter; replaces arginine 18 with a stop codon.
Molecular consequence: nonsense.
Genome position (GRCh38, 1-based): chr15:38,299,392, C>T. VCF-style: chr15-38299392-C-T. GRCh37 (hg19) VCF-style: chr15-38591593-C-T.
Other names: short protein forms R18*.
Identifiers: ClinVar variation 536693 (VCV000536693.21), dbSNP rs750777752, ClinGen allele CA391933819.

ClinVar aggregate classification (germline): Pathogenic. Review status: criteria provided, multiple submitters, no conflicts (2 of 4 stars). 9 submissions from 9 submitters: Pathogenic (8). 1 of the submissions does not count toward it. Last evaluated 2025-10-13.

Conditions:
SPRED1-related disorder. Also called: SPRED1-related condition.
Incidental Discovery. Identifiers: MedGen C1135954.
Noonan syndrome and Noonan-related syndrome. Identifiers: Orphanet 98733, MedGen C5681679, MONDO:0020297.
Legius syndrome. Identifiers: Orphanet 137605, MedGen C1969623, MONDO:0012669, OMIM 611431. Disease mechanism: loss of function.

Submissions (9):

Labcorp Genetics (formerly Invitae), Labcorp
Classification: Pathogenic for Legius syndrome. Last evaluated: 2025-10-13. Review status: criteria provided, single submitter. Criteria: Invitae Variant Classification Sherloc (09022015). Collection method: clinical testing. Allele origin: germline.
Comment: This sequence change creates a premature translational stop signal (p.Arg18*) in the SPRED1 gene. It is expected to result in an absent or disrupted protein product. Loss-of-function variants in SPRED1 are known to be pathogenic (PMID: 17704776). This variant is not present in population databases (gnomAD no frequency). This premature translational stop signal has been observed in individuals with Legius syndrome (PMID: 19920235, 20179001, 21089071). Invitae Evidence Modeling of clinical and family history, age, sex, and reported ancestry of multiple individuals with this SPRED1 variant has been performed. This variant is expected to be pathogenic with a positive predictive value of at least 99%. This is a validated machine learning model that incorporates the clinical features of 198,265 individuals referred to our laboratory for SPRED1 testing. ClinVar contains an entry for this variant (Variation ID: 536693). For these reasons, this variant has been classified as Pathogenic.

Clinical Genetics Laboratory, Skane University Hospital Lund
Classification: Pathogenic for Incidental Discovery. Last evaluated: 2025-07-07. Review status: criteria provided, single submitter. Criteria: ACMG Guidelines, 2015. Collection method: clinical testing. Allele origin: germline.
Comment: ACMG criteria used: PVS1, PS4

GeneDx
Classification: Pathogenic. Last evaluated: 2024-08-20. Review status: criteria provided, single submitter. Criteria: GeneDx Variant Classification Process June 2021. Collection method: clinical testing. Allele origin: germline. Affected: yes.
Comment: Nonsense variant predicted to result in protein truncation or nonsense mediated decay in a gene for which loss-of-function is a known mechanism of disease; Not observed at significant frequency in large population cohorts (gnomAD); This variant is associated with the following publications: (PMID: 20179001, 21089071, 31370276, 34006472, 39031930, 19920235)

Greenwood Genetic Center Diagnostic Laboratories, Greenwood Genetic Center
Classification: Pathogenic for Legius syndrome. Last evaluated: 2022-06-16. Review status: criteria provided, single submitter. Criteria: ACMG Guidelines, 2015. Collection method: clinical testing. Allele origin: germline. Affected: yes.
Comment: PVS1 PM2 PS4_Mod

Blueprint Genetics
Classification: Pathogenic for SPRED1-related disorders. Last evaluated: 2021-07-30. Review status: criteria provided, single submitter. Criteria: ACMG Guidelines, 2015. Collection method: clinical testing. Allele origin: germline. Affected: yes. Observed: 1 variant allele.

Genome Diagnostics Laboratory, The Hospital for Sick Children
Classification: Pathogenic for Noonan syndrome and Noonan-related syndrome. Last evaluated: 2020-01-01. Review status: criteria provided, single submitter. Criteria: ACMG Guidelines, 2015. Collection method: clinical testing. Allele origin: germline. Affected: yes.

Mendelics
Classification: Pathogenic for Legius syndrome. Last evaluated: 2019-05-28. Review status: criteria provided, single submitter. Criteria: Mendelics Assertion Criteria 2017. Collection method: clinical testing. Allele origin: unknown.

Center for Human Genetics, Inc
Classification: Pathogenic for Legius syndrome. Last evaluated: 2016-11-01. Review status: criteria provided, single submitter. Criteria: ACMG Guidelines, 2015. Collection method: clinical testing. Allele origin: germline. Affected: yes.

Beijing Key Laboratory for Genetic Research of Skeletal Deformity, Peking Union Medical College Hospital
Classification: Pathogenic for Legius syndrome. Last evaluated: 2019-05-31. Review status: no assertion criteria provided. Collection method: research. Allele origin: unknown. Affected: yes. Not counted in ClinVar's aggregate classification.

Literature cited by the submitters: PubMed 17704776 (cited by Labcorp Genetics (formerly Invitae), Labcorp); PubMed 19920235 (cited by Labcorp Genetics (formerly Invitae), Labcorp); PubMed 20179001 (cited by Labcorp Genetics (formerly Invitae), Labcorp); PubMed 21089071 (cited by Labcorp Genetics (formerly Invitae), Labcorp).